The following is an entry in ClinVar:

NM_001007553.3(CSDE1):c.2097T>C (p.Phe699=)

Gene: CSDE1 (cold shock domain containing E1; minus strand). Cytogenetic location: 1p13.2.
Variant type: single nucleotide variant.
Coding change: c.2097T>C on transcript NM_001007553.3 (MANE Select); coding-DNA position 2097, T replaced by C.
Protein change: p.Phe699=; no amino-acid change (phenylalanine 699 retained).
Molecular consequence: synonymous variant.
Genome position (GRCh38, 1-based): chr1:114,719,698, A>G on the plus strand (T>C on the coding strand, the complement: CSDE1 is on the minus strand). VCF-style: chr1-114719698-A-G. GRCh37 (hg19) VCF-style: chr1-115262319-A-G.
Other names: c.2142T>C, p.Phe714= (NM_001130523.3); c.2235T>C, p.Phe745= (NM_001242891.2); c.2097T>C, p.Phe699= (NM_001242892.2); c.2004T>C, p.Phe668= (NM_001242893.2, NM_007158.6).
Identifiers: ClinVar variation 730389 (VCV000730389.28), dbSNP rs72994458, ClinGen allele CA1020911.

ClinVar aggregate classification (germline): Benign/Likely benign. Review status: criteria provided, multiple submitters, no conflicts (2 of 4 stars). 3 submissions from 3 submitters: Benign (1); Likely benign (1). 1 of the submissions does not count toward it. Last evaluated 2025-11-01.

Conditions:
CSDE1-related disorder. Also called: CSDE1-related condition.

Allele frequency attached by ClinVar (database versions not stated): gnomAD exomes 0.00031 and 0.00090; ExAC 0.00123; TOPMed 0.00351; gnomAD 0.00354 and 0.00378; 1000 Genomes Project 30x 0.00390; 1000 Genomes Project 0.00419; ESP Exome Variant Server 0.00469.
gnomAD v4.1: 995 of 1,614,138 alleles (0.062%); highest among the groups gnomAD compares: African/African-American, 1.3%; 8 homozygotes.

Submissions (3):

CeGaT Center for Human Genetics Tuebingen
Classification: Likely benign. Last evaluated: 2025-11-01. Review status: criteria provided, single submitter. Criteria: CeGaT Center For Human Genetics Tuebingen Variant Classification Criteria Version 2. Collection method: clinical testing. Allele origin: germline. Affected: yes. Observed: 2 variant alleles.
Comment: CSDE1: BP4, BS1

Labcorp Genetics (formerly Invitae), Labcorp
Classification: Benign. Last evaluated: 2018-01-30. Review status: criteria provided, single submitter. Criteria: Invitae Variant Classification Sherloc (09022015). Collection method: clinical testing. Allele origin: germline.

PreventionGenetics, part of Exact Sciences
Classification: Benign for CSDE1-related condition. Last evaluated: 2022-06-21. Review status: no assertion criteria provided. Collection method: clinical testing. Allele origin: germline. Not counted in ClinVar's aggregate classification.
Comment: This variant is classified as benign based on ACMG/AMP sequence variant interpretation guidelines (Richards et al. 2015 PMID: 25741868, with internal and published modifications).